The following is an entry in ClinVar:

NM_001005273.3(CHD3):c.5275C>T (p.Arg1759Trp)

Gene: CHD3 (chromodomain helicase DNA binding protein 3; plus strand). Cytogenetic location: 17p13.1.
Variant type: single nucleotide variant.
Coding change: c.5275C>T on transcript NM_001005273.3 (MANE Select); coding-DNA position 5275, C replaced by T.
Protein change: p.Arg1759Trp; replaces arginine 1759 with tryptophan.
Molecular consequence: missense variant.
Genome position (GRCh38, 1-based): chr17:7,908,710, C>T. VCF-style: chr17-7908710-C-T. GRCh37 (hg19) VCF-style: chr17-7812028-C-T.
Other names: p.R1818W; c.5452C>T, p.Arg1818Trp (NM_001005271.3); c.5173C>T, p.Arg1725Trp (NM_005852.4); c.5452C>T (NM_001005271.2); short protein forms R1725W, R1759W, R1818W.
Identifiers: ClinVar variation 2442106 (VCV002442106.7), dbSNP rs1394994913, ClinGen allele CA397949258.

ClinVar aggregate classification (germline): Conflicting classifications of pathogenicity. Review status: criteria provided, conflicting classifications (1 of 4 stars). 4 submissions from 4 submitters: Pathogenic (1); Likely pathogenic (1); Uncertain significance (1). 1 of the submissions does not count toward it. Last evaluated 2025-01-24.

Conditions:
Snijders Blok-Campeau syndrome. Also called: INTELLECTUAL DEVELOPMENTAL DISORDER WITH MACROCEPHALY, SPEECH DELAY, AND DYSMORPHIC FACIES. Identifiers: Orphanet 599082, MedGen C4748701, MONDO:0032600, OMIM 618205.

Submissions (4):

GeneDx
Classification: Likely pathogenic. Last evaluated: 2025-01-24. Review status: criteria provided, single submitter. Criteria: GeneDx Variant Classification Process June 2021. Collection method: clinical testing. Allele origin: germline. Affected: yes.
Comment: De novo variant in an individual from a large autism cohort, but detailed clinical information was not provided (PMID: 22495309); Not observed at significant frequency in large population cohorts (gnomAD); In silico analysis supports that this missense variant has a deleterious effect on protein structure/function; This variant is associated with the following publications: (PMID: 34011629, 31785789, 35982159, 22495309, 25363768, 28191890, 35982160, 31133750, 28867142)

MVZ Martinsried, Medicover Genetics
Classification: Pathogenic for Snijders Blok-Campeau syndrome. Last evaluated: 2024-04-03. Review status: criteria provided, single submitter. Criteria: ACGS Guidelines, 2020. Collection method: clinical testing. Allele origin: de novo. Affected: yes.

Baylor Genetics
Classification: Uncertain significance for Snijders Blok-Campeau syndrome. Last evaluated: 2023-04-24. Review status: criteria provided, single submitter. Criteria: ACMG Guidelines, 2015. Collection method: clinical testing. Allele origin: unknown.

Undiagnosed Diseases Network, NIH
Classification: Uncertain significance for Snijders Blok-Campeau syndrome. Last evaluated: 2022-02-21. Review status: no assertion criteria provided. Collection method: clinical testing, research. Allele origin: unknown, maternal. Affected: yes. Observed: 1 variant allele, 1 heterozygote. Study: Undiagnosed Diseases Network (NIH), UDN. Not counted in ClinVar's aggregate classification.

Literature cited by the submitters: PubMed 25363768 (cited by Undiagnosed Diseases Network, NIH); PubMed 22495309 (cited by Undiagnosed Diseases Network, NIH); PubMed 28191890 (cited by Undiagnosed Diseases Network, NIH).